The following is an entry in ClinVar:

ClinVar aggregate classification (germline): Uncertain significance (1 of 4 stars; one submission).

Submission:

Ambry Genetics
Classification: Uncertain significance. Last evaluated: 2022-07-26. Review status: criteria provided, single submitter. Criteria: Ambry Variant Classification Scheme 2023. Collection method: clinical testing. Allele origin: germline.
Comment: The p.L86F variant (also known as c.258G>T), located in coding exon 1 of the PALLD gene, results from a G to T substitution at nucleotide position 258. The leucine at codon 86 is replaced by phenylalanine, an amino acid with highly similar properties. This amino acid position is conserved. In addition, this alteration is predicted to be tolerated by in silico analysis. Since supporting evidence is limited at this time, the clinical significance of this alteration remains unclear.

NM_001166108.2(PALLD):c.258G>T (p.Leu86Phe)

Gene: PALLD (palladin, cytoskeletal associated protein; plus strand). Cytogenetic location: 4q32.3.
Variant type: single nucleotide variant.
Coding change: c.258G>T on transcript NM_001166108.2 (MANE Select); coding-DNA position 258, G replaced by T.
Protein change: p.Leu86Phe; replaces leucine 86 with phenylalanine.
Molecular consequence: missense variant.
Genome position (GRCh38, 1-based): chr4:168,511,762, G>T. VCF-style: chr4-168511762-G-T. GRCh37 (hg19) VCF-style: chr4-169432913-G-T.
Other names: c.258G>T, p.Leu86Phe (NM_016081.4); short protein forms L86F.
Identifiers: ClinVar variation 1793504 (VCV001793504.2), dbSNP rs2531429863, ClinGen allele CA358725161.